The following is an entry in ClinVar:

NM_000059.4(BRCA2):c.3291del (p.Phe1097fs)

Gene: BRCA2 (BRCA2 DNA repair associated; plus strand). Cytogenetic location: 13q13.1.
Variant type: Deletion.
Coding change: c.3291del on transcript NM_000059.4 (MANE Select); coding-DNA position 3291, one base deleted (T; older notation c.3291delT).
Protein change: p.Phe1097fs; shifts the reading frame from phenylalanine 1097.
Molecular consequence: frameshift variant. On other transcripts: non-coding transcript variant (1), intron variant (2).
Genome position (GRCh38, 1-based): chr13:32,337,646, T deleted; the last of 4 consecutive T bases (chr13:32,337,643-32,337,646); deleting any one gives the same sequence. VCF-style (leftmost placement, unchanged base first): chr13-32337642-AT-A. GRCh37 (hg19) VCF-style: chr13-32911779-AT-A.
Other names: c.3291del, p.Phe1097fs (NM_001406719.1, NM_001406720.1, NM_001432077.1); c.1909+4259del (NM_001406721.1); c.424+6616del (NM_001406722.1); short protein forms F1097fs.
Identifiers: ClinVar variation 3482016 (VCV003482016.1).

ClinVar aggregate classification (germline): Pathogenic (1 of 4 stars; one submission).

Conditions:
Hereditary cancer-predisposing syndrome. Also called: Tumor predisposition; Neoplastic Syndromes, Hereditary; Hereditary Cancer Syndrome; Hereditary neoplastic syndrome. Identifiers: Orphanet 140162, MedGen C0027672, MeSH D009386, MONDO:0015356.

Submission:

Ambry Genetics
Classification: Pathogenic for Hereditary cancer-predisposing syndrome. Last evaluated: 2024-07-24. Review status: criteria provided, single submitter. Criteria: Ambry Variant Classification Scheme 2023. Collection method: clinical testing. Allele origin: germline.
Comment: The c.3291delT pathogenic mutation, located in coding exon 10 of the BRCA2 gene, results from a deletion of one nucleotide at nucleotide position 3291, causing a translational frameshift with a predicted alternate stop codon (p.F1097Lfs*7). This variant is considered to be rare based on population cohorts in the Genome Aggregation Database (gnomAD). This alteration is expected to result in loss of function by premature protein truncation or nonsense-mediated mRNA decay. As such, this alteration is interpreted as a disease-causing mutation.